The following is an entry in ClinVar:

ClinVar aggregate classification (germline): Uncertain significance. Review status: criteria provided, multiple submitters, no conflicts (2 of 4 stars). 2 submissions from 2 submitters: Uncertain significance (2). Last evaluated 2025-05-19.

Conditions:
Inborn genetic diseases. Identifiers: MedGen C0950123, MeSH D030342.

Allele frequency attached by ClinVar (database versions not stated): gnomAD exomes 0.00004; ExAC 0.00008; ESP Exome Variant Server 0.00008; TOPMed 0.00012; gnomAD 0.00019; 1000 Genomes Project 0.00040; 1000 Genomes Project 30x 0.00062.
gnomAD v4.1: 82 of 1,613,526 alleles (0.0051%); highest among the groups gnomAD compares: African/African-American, 0.037%; 1 homozygote.

Submissions (2):

Ambry Genetics
Classification: Uncertain significance for Inborn genetic diseases. Last evaluated: 2025-05-19. Review status: criteria provided, single submitter. Criteria: Ambry Variant Classification Scheme 2023. Collection method: clinical testing. Allele origin: germline.

Labcorp Genetics (formerly Invitae), Labcorp
Classification: Uncertain significance. Last evaluated: 2023-04-24. Review status: criteria provided, single submitter. Criteria: Invitae Variant Classification Sherloc (09022015). Collection method: clinical testing. Allele origin: germline.
Comment: In summary, the available evidence is currently insufficient to determine the role of this variant in disease. Therefore, it has been classified as a Variant of Uncertain Significance. Advanced modeling of protein sequence and biophysical properties (such as structural, functional, and spatial information, amino acid conservation, physicochemical variation, residue mobility, and thermodynamic stability) performed at Invitae indicates that this missense variant is not expected to disrupt DHX37 protein function. ClinVar contains an entry for this variant (Variation ID: 2192873). This variant has not been reported in the literature in individuals affected with DHX37-related conditions. This variant is present in population databases (rs143588731, gnomAD 0.05%). This sequence change replaces arginine, which is basic and polar, with glutamine, which is neutral and polar, at codon 465 of the DHX37 protein (p.Arg465Gln).

NM_032656.4(DHX37):c.1394G>A (p.Arg465Gln)

Gene: DHX37 (DEAH-box helicase 37; minus strand). Cytogenetic location: 12q24.31.
Variant type: single nucleotide variant.
Coding change: c.1394G>A on transcript NM_032656.4 (MANE Select); coding-DNA position 1394, G replaced by A.
Protein change: p.Arg465Gln; replaces arginine 465 with glutamine.
Molecular consequence: missense variant.
Genome position (GRCh38, 1-based): chr12:124,968,548, C>T on the plus strand (G>A on the coding strand, the complement: DHX37 is on the minus strand). VCF-style: chr12-124968548-C-T. GRCh37 (hg19) VCF-style: chr12-125453094-C-T.
Other names: c.1394G>A (NM_032656.3); short protein forms R465Q.
Identifiers: ClinVar variation 2192873 (VCV002192873.5), dbSNP rs143588731, ClinGen allele CA6872055.
Genomic context (GRCh38, chr12:124,968,548, plus strand): 5'-GTTTAGGAAGGGAGGCTTCTTTCCCCTGACCTGGCCAGGGCCTCACCTGCGGGCAGCATC[C>T]GGTGGATCTTGCAGACCTTCCGGAAGCACTCGCCACTGTAGTCTTCCAGCGGTGTCCGCT-3'
Protein context (NP_116045.2, residues 455-475): ECFRKVCKIH[Arg465Gln]MLPAGGILVF